The following is an entry in ClinVar:

ClinVar aggregate classification (germline): Uncertain significance (1 of 4 stars; one submission).

gnomAD v4.1: 5 of 1,597,750 alleles (0.00031%); highest among the groups gnomAD compares: Non-Finnish European, 0.00043%; no homozygotes.

Submission:

Mayo Clinic Laboratories, Mayo Clinic
Classification: Uncertain significance. Last evaluated: 2022-06-01. Review status: criteria provided, single submitter. Criteria: ACMG Guidelines, 2015. Collection method: clinical testing. Allele origin: germline. Observed: 1 variant allele.
Comment: BP4, PM2

NM_001145809.2(MYH14):c.5027C>T (p.Ala1676Val)

Gene: MYH14 (myosin heavy chain 14; plus strand). Cytogenetic location: 19q13.33.
Variant type: single nucleotide variant.
Coding change: c.5027C>T on transcript NM_001145809.2 (MANE Select); coding-DNA position 5027, C replaced by T.
Protein change: p.Ala1676Val; replaces alanine 1676 with valine.
Molecular consequence: missense variant.
Genome position (GRCh38, 1-based): chr19:50,290,948, C>T. VCF-style: chr19-50290948-C-T. GRCh37 (hg19) VCF-style: chr19-50794205-C-T.
Other names: p.Ala1635Val; c.4928C>T, p.Ala1643Val (NM_001077186.2); c.4904C>T, p.Ala1635Val (NM_024729.4); short protein forms A1635V, A1643V, A1676V.
Identifiers: ClinVar variation 2683516 (VCV002683516.1), dbSNP rs921406950, ClinGen allele CA309586035.